The following is an entry in ClinVar:

ClinVar aggregate classification (germline): Likely benign. Review status: criteria provided, multiple submitters, no conflicts (2 of 4 stars). 2 submissions from 2 submitters: Likely benign (2). Last evaluated 2024-10-22.

Conditions:
Cardiovascular phenotype. Identifiers: MedGen CN230736.
Catecholaminergic polymorphic ventricular tachycardia (CVPT). Also called: Catecholamine-induced polymorphic ventricular tachycardia. Identifiers: Orphanet 3286, MedGen C5574922, MONDO:0017990.

Allele frequency attached by ClinVar (database versions not stated): gnomAD exomes below 0.00001.
gnomAD v4.1: 1 of 1,613,736 alleles (0.000062%); highest among the groups gnomAD compares: Non-Finnish European, 0.000085%; no homozygotes.

Submissions (2):

Ambry Genetics
Classification: Likely benign for Cardiovascular phenotype. Last evaluated: 2024-10-22. Review status: criteria provided, single submitter. Criteria: Ambry Variant Classification Scheme 2023. Collection method: clinical testing. Allele origin: germline.

All of Us Research Program, National Institutes of Health
Classification: Likely benign for Catecholaminergic polymorphic ventricular tachycardia. Last evaluated: 2022-11-28. Review status: criteria provided, single submitter. Criteria: ACMG Guidelines, 2015. Collection method: clinical testing. Allele origin: germline. Inheritance: Autosomal dominant inheritance. Observed: 1 variant allele, 1 heterozygote.
Comment: This study involves interpretation of variants in research participants for the purpose of population health screening. Participant phenotype was not available at the time of variant classification. Additional details can be found in publication PMID: 35346344, PMCID: PMC8962531

NM_001035.3(RYR2):c.10374G>A (p.Arg3458=)

Gene: RYR2 (ryanodine receptor 2; plus strand). Cytogenetic location: 1q43.
Variant type: single nucleotide variant.
Coding change: c.10374G>A on transcript NM_001035.3 (MANE Select); coding-DNA position 10374, G replaced by A.
Protein change: p.Arg3458=; no amino-acid change (arginine 3458 retained).
Molecular consequence: synonymous variant.
Genome position (GRCh38, 1-based): chr1:237,717,248, G>A. VCF-style: chr1-237717248-G-A. GRCh37 (hg19) VCF-style: chr1-237880548-G-A.
Other names: c.10374G>A (NM_001035.2).
Identifiers: ClinVar variation 3069297 (VCV003069297.2), dbSNP rs2547451815, ClinGen allele CA423819884.